The following is an entry in ClinVar:

NM_001377405.1(ATXN7):c.89AGC[14] (p.Gln39_Pro40insGlnGlnGlnGln)

Genes: ATXN7 (ataxin 7; plus strand), LOC108660406 (ataxin 7 repeat instability region; plus strand), LOC129936979 (ATAC-STARR-seq lymphoblastoid silent region 14501; plus strand). Cytogenetic location: 3p14.1.
Variant type: Microsatellite.
Coding change: c.89AGC[14] on transcript NM_001377405.1 (MANE Select); 14 copies in a row of the 3-base unit AGC starting at c.89; the reference has ten copies in a row; four copies, 12 bases duplicated.
Protein change: p.Gln39_Pro40insGlnGlnGlnGln.
Genome position (GRCh38, 1-based): chr3:63,912,705-63,912,716, AGCAGCAGCAGC duplicated; duplicating any 12 consecutive bases within chr3:63,912,685-63,912,716 gives the same sequence; the position shown is the placement nearest the transcript's 3' end. VCF-style (leftmost placement, unchanged base first): chr3-63912684-G-GGCAGCAGCAGCA. GRCh37 (hg19) VCF-style: chr3-63898360-G-GGCAGCAGCAGCA.
Other names: c.89AGC[14], p.Gln39_Pro40insGlnGlnGlnGln (NM_000333.4, NM_001177387.1, NM_001377406.1).
Identifiers: ClinVar variation 2653938 (VCV002653938.23), dbSNP rs193922929, ClinGen allele CA2478168.

ClinVar aggregate classification (germline): Benign/Likely benign. Review status: criteria provided, multiple submitters, no conflicts (2 of 4 stars). 2 submissions from 2 submitters: Benign (1); Likely benign (1). Last evaluated 2026-09-01.

Submissions (2):

CeGaT Center for Human Genetics Tuebingen
Classification: Benign. Last evaluated: 2026-09-01. Review status: criteria provided, single submitter. Criteria: CeGaT Center For Human Genetics Tuebingen Variant Classification Criteria Version 2. Collection method: clinical testing. Allele origin: germline. Affected: yes. Observed: 6 variant alleles.
Comment: ATXN7: BS1, BS2

Blueprint Genetics
Classification: Likely benign. Last evaluated: 2024-11-22. Review status: criteria provided, single submitter. Criteria: ACMG Guidelines, 2015. Collection method: clinical testing. Allele origin: germline.